The following is an entry in ClinVar:

ClinVar aggregate classification (germline): Uncertain significance (1 of 4 stars; one submission).

Allele frequency attached by ClinVar (database versions not stated): gnomAD 0.00006 and 0.00005; gnomAD exomes below 0.00001; TOPMed 0.00004.
gnomAD v4.1: 9 of 1,614,036 alleles (0.00056%); highest among the groups gnomAD compares: African/African-American, 0.011%; no homozygotes.

Submission:

Labcorp Genetics (formerly Invitae), Labcorp
Classification: Uncertain significance. Last evaluated: 2022-08-16. Review status: criteria provided, single submitter. Criteria: Invitae Variant Classification Sherloc (09022015). Collection method: clinical testing. Allele origin: germline.
Comment: This sequence change replaces valine, which is neutral and non-polar, with alanine, which is neutral and non-polar, at codon 254 of the PPCS protein (p.Val254Ala). This variant is present in population databases (no rsID available, gnomAD 0.02%). This variant has not been reported in the literature in individuals affected with PPCS-related conditions. ClinVar contains an entry for this variant (Variation ID: 1421247). Algorithms developed to predict the effect of missense changes on protein structure and function output the following: SIFT: "Tolerated"; PolyPhen-2: "Benign"; Align-GVGD: "Class C0". The alanine amino acid residue is found in multiple mammalian species, which suggests that this missense change does not adversely affect protein function. In summary, the available evidence is currently insufficient to determine the role of this variant in disease. Therefore, it has been classified as a Variant of Uncertain Significance.

NM_024664.4(PPCS):c.761T>C (p.Val254Ala)

Genes: CCDC30 (coiled-coil domain containing 30; plus strand), PPCS (phosphopantothenoylcysteine synthetase; plus strand). Cytogenetic location: 1p34.2.
Variant type: single nucleotide variant.
Coding change: c.761T>C on transcript NM_024664.4 (MANE Select); coding-DNA position 761, T replaced by C.
Protein change: p.Val254Ala; replaces valine 254 with alanine.
Molecular consequence: missense variant. On other transcripts: intron variant (2).
Genome position (GRCh38, 1-based): chr1:42,459,751, T>C. VCF-style: chr1-42459751-T-C. GRCh37 (hg19) VCF-style: chr1-42925422-T-C.
Other names: c.242T>C, p.Val81Ala (NM_001077447.3, NM_001287506.1, NM_001287508.2 and 2 more transcripts); c.143T>C, p.Val48Ala (NM_001287507.1); c.-880+2401T>C (NM_001355226.2); c.612+2401T>C (NM_001287511.2); short protein forms V254A, V48A, V81A.
Identifiers: ClinVar variation 1421247 (VCV001421247.4), dbSNP rs967199663, ClinGen allele CA21219223.